The following is an entry in ClinVar:

ClinVar aggregate classification (germline): Uncertain significance (1 of 4 stars; one submission).

Conditions:
Glycogen storage disease, type II (IOPD). Also called: GLYCOGENOSIS, GENERALIZED, CARDIAC FORM; GSD II; Glucosidase acid-1,4-alpha deficiency; CARDIOMEGALIA GLYCOGENICA DIFFUSA; Pompe Disease; POMPE DISEASE, INFANTILE-ONSET. Identifiers: Orphanet 365, MedGen C0017921, MONDO:0009290, OMIM 232300.

Submission:

Labcorp Genetics (formerly Invitae), Labcorp
Classification: Uncertain significance for Glycogen storage disease, type II. Last evaluated: 2022-08-03. Review status: criteria provided, single submitter. Criteria: Invitae Variant Classification Sherloc (09022015). Collection method: clinical testing. Allele origin: germline.
Comment: In summary, the available evidence is currently insufficient to determine the role of this variant in disease. Therefore, it has been classified as a Variant of Uncertain Significance. This sequence change replaces serine, which is neutral and polar, with phenylalanine, which is neutral and non-polar, at codon 45 of the GAA protein (p.Ser45Phe). This variant is present in population databases (no rsID available, gnomAD 0.003%). This variant has not been reported in the literature in individuals affected with GAA-related conditions. ClinVar contains an entry for this variant (Variation ID: 1051704). Advanced modeling of protein sequence and biophysical properties (such as structural, functional, and spatial information, amino acid conservation, physicochemical variation, residue mobility, and thermodynamic stability) performed at Invitae indicates that this missense variant is not expected to disrupt GAA protein function.

NM_000152.5(GAA):c.134C>T (p.Ser45Phe)

Gene: GAA (alpha glucosidase; plus strand). Cytogenetic location: 17q25.3.
Variant type: single nucleotide variant.
Coding change: c.134C>T on transcript NM_000152.5 (MANE Select); coding-DNA position 134, C replaced by T.
Protein change: p.Ser45Phe; replaces serine 45 with phenylalanine.
Molecular consequence: missense variant.
Genome position (GRCh38, 1-based): chr17:80,104,720, C>T. VCF-style: chr17-80104720-C-T. GRCh37 (hg19) VCF-style: chr17-78078519-C-T.
Other names: c.134C>T, p.Ser45Phe (NM_001079803.3, NM_001079804.3); short protein forms S45F.
Identifiers: ClinVar variation 1051704 (VCV001051704.5), dbSNP rs1179395024, ClinGen allele CA401360317.